The following is an entry in ClinVar:

ClinVar aggregate classification (germline): Pathogenic. Review status: criteria provided, multiple submitters, no conflicts (2 of 4 stars). 6 submissions from 6 submitters: Pathogenic (5). 1 of the submissions does not count toward it. Last evaluated 2026-01-20.

Conditions:
Pyridoxine-dependent epilepsy (EPEO4). Also called: Pyridoxine-Dependent Seizures; Pyridoxine-Dependent Epilepsy - ALDH7A1; PYRIDOXINE DEPENDENCY WITH SEIZURES; EPILEPSY, EARLY-ONSET, 4, VITAMIN B6-DEPENDENT. Identifiers: Orphanet 3006, MedGen C1849508, MONDO:0009945, OMIM 266100. Disease mechanism: loss of function.

Allele frequency attached by ClinVar (database versions not stated): TOPMed below 0.00001; gnomAD exomes 0.00001.
gnomAD v4.1: 11 of 1,613,590 alleles (0.00068%); highest among the groups gnomAD compares: East Asian, 0.0022%; no homozygotes.

Submissions (6):

Victorian Clinical Genetics Services, Murdoch Childrens Research Institute
Classification: Pathogenic for Pyridoxine-dependent epilepsy. Last evaluated: 2026-01-20. Review status: criteria provided, single submitter. Criteria: ACMG Guidelines, 2015. Collection method: clinical testing. Allele origin: germline. Affected: yes.
Comment: This variant is classified as Pathogenic. Evidence in support of pathogenic classification: Variant is present in gnomAD <0.01 for a recessive condition (v4: 11 heterozygote(s), 0 homozygote(s)); This variant has strong previous evidence of pathogenicity in unrelated individuals. This variant has been classified multiple times as pathogenic/likely pathogenic by a clinical laboratory in ClinVar, and reported in the literature in both homozygous and compound heterozygous individuals with mild to moderate developmental delays and seizures (PMID: 31737911); Missense variant predicted to be damaging by in silico tool(s) or highly conserved with a major amino acid change. Additional information: Variant is predicted to result in a missense amino acid change from Tyr to Cys; This variant is homozygous; This gene is associated with autosomal recessive disease; Alternative amino acid change(s) at the same position are present in gnomAD (highest allele count: v4: 1 heterozygote(s), 0 homozygote(s)); Variant is located in the annotated aldehyde dehydrogenase family (DECIPHER); Loss of function is a known mechanism of disease in this gene and is associated with epilepsy, early-onset, 4, vitamin B6-dependent (MIM#266100).

Labcorp Genetics (formerly Invitae), Labcorp
Classification: Pathogenic for Pyridoxine-dependent epilepsy. Last evaluated: 2024-10-23. Review status: criteria provided, single submitter. Criteria: Invitae Variant Classification Sherloc (09022015). Collection method: clinical testing. Allele origin: germline.
Comment: This sequence change replaces tyrosine, which is neutral and polar, with cysteine, which is neutral and slightly polar, at codon 354 of the ALDH7A1 protein (p.Tyr354Cys). This variant is present in population databases (no rsID available, gnomAD 0.006%). This missense change has been observed in individual(s) with pyridoxine-dependent epilepsy (PMID: 22371912, 31737911). ClinVar contains an entry for this variant (Variation ID: 1074455). Invitae Evidence Modeling of protein sequence and biophysical properties (such as structural, functional, and spatial information, amino acid conservation, physicochemical variation, residue mobility, and thermodynamic stability) indicates that this missense variant is expected to disrupt ALDH7A1 protein function with a positive predictive value of 95%. For these reasons, this variant has been classified as Pathogenic.

Women's Health and Genetics/Laboratory Corporation of America, LabCorp
Classification: Pathogenic for Pyridoxine-dependent epilepsy. Last evaluated: 2024-09-16. Review status: criteria provided, single submitter. Criteria: LabCorp Variant Classification Summary - May 2015. Collection method: clinical testing. Allele origin: germline.
Comment: Variant summary: ALDH7A1 c.1061A>G (p.Tyr354Cys) results in a non-conservative amino acid change located in the aldehyde dehydrogenase domain (IPR015590) of the encoded protein sequence. Five of five in-silico tools predict a damaging effect of the variant on protein function. The variant allele was found at a frequency of 1.2e-05 in 251396 control chromosomes. c.1061A>G has been reported in the literature in multiple individuals affected with Pyridoxine-Dependent Epilepsy (example: Jiao_2020, Hyun Nam_2012, Kamolvisit_2021). These data indicate that the variant is very likely to be associated with disease. To our knowledge, no experimental evidence demonstrating an impact on protein function has been reported. The following publications have been ascertained in the context of this evaluation (PMID: 31737911, 22371912, 33822359). ClinVar contains an entry for this variant (Variation ID: 1074455). Based on the evidence outlined above, the variant was classified as pathogenic.

3billion
Classification: Pathogenic for Pyridoxine-dependent epilepsy. Last evaluated: 2024-03-19. Review status: criteria provided, single submitter. Criteria: ACMG Guidelines, 2015. Collection method: clinical testing. Allele origin: germline. Affected: yes.
Comment: The variant is observed at an extremely low frequency in the gnomAD v2.1.1 dataset (total allele frequency: 0.001%). Predicted Consequence/Location: Missense variant In silico tool predictions suggest damaging effect of the variant on gene or gene product [REVEL: 0.75 (>=0.6, sensitivity 0.68 and specificity 0.92); 3Cnet: 0.85 (>=0.6, sensitivity 0.72 and precision 0.9)]. Same nucleotide change resulting in same amino acid change has been previously reported as pathogenic/likely pathogenic with strong evidence (ClinVar ID: VCV001074455 /PMID: 22371912 /3billion dataset). The variant has been reported to be in trans with a pathogenic variant as either compound heterozygous or homozygous in at least 4 similarly affected unrelated individuals (PMID: 31737911, 33822359). A different missense change at the same codon (p.Tyr354Ser) has been reported to be associated with ALDH7A1 related disorder (ClinVar ID: VCV002500759). Therefore, this variant is classified as Pathogenic according to the recommendation of ACMG/AMP guideline.

Genome-Nilou Lab
Classification: Pathogenic for Pyridoxine-dependent epilepsy. Last evaluated: 2023-04-11. Review status: criteria provided, single submitter. Criteria: ACMG Guidelines, 2015. Collection method: clinical testing. Allele origin: germline. Affected: no.

Center of Excellence for Medical Genomics, Chulalongkorn University
Classification: Likely pathogenic for Pyridoxine-dependent epilepsy. Last evaluated: 2002-09-08. Review status: no assertion criteria provided. Collection method: research. Allele origin: maternal. Affected: yes. Not counted in ClinVar's aggregate classification.

Literature cited by the submitters: PubMed 31737911 (cited by 4 submitters); PubMed 22371912 (cited by 3 submitters); PubMed 33822359 (cited by Women's Health and Genetics/Laboratory Corporation of America, LabCorp and 3billion).

NM_001182.5(ALDH7A1):c.1061A>G (p.Tyr354Cys)

Gene: ALDH7A1 (aldehyde dehydrogenase 7 family member A1; minus strand). Cytogenetic location: 5q23.2.
Variant type: single nucleotide variant.
Coding change: c.1061A>G on transcript NM_001182.5 (MANE Select); coding-DNA position 1061, A replaced by G.
Protein change: p.Tyr354Cys; replaces tyrosine 354 with cysteine.
Molecular consequence: missense variant. On other transcripts: intron variant (1).
Genome position (GRCh38, 1-based): chr5:126,555,963, T>C on the plus strand (A>G on the coding strand, the complement: ALDH7A1 is on the minus strand). VCF-style: chr5-126555963-T-C. GRCh37 (hg19) VCF-style: chr5-125891655-T-C.
Other names: c.977A>G, p.Tyr326Cys (NM_001201377.2); c.1008+3277A>G (NM_001202404.2); short protein forms Y326C, Y354C.
Identifiers: ClinVar variation 1074455 (VCV001074455.15), dbSNP rs1471249688, ClinGen allele CA360724771.
Genomic context (GRCh38, chr5:126,555,963, plus strand): 5'-CGCTTTGAAAGCAGAAGGAGATACTCACGGTCCCATGGGTTCCCAACTCGGATCTGTGCA[T>C]AGGCCTTTTTAAGTCTGTTTACAACCTCATCATGGATGCTTTCATGTATAAACTAAACGA-3'
Protein context (NP_001173.2, residues 344-364): DEVVNRLKKA[Tyr354Cys]AQIRVGNPWD